The following is an entry in ClinVar:

ClinVar aggregate classification (germline): Uncertain significance (1 of 4 stars; one submission).

Conditions:
Hereditary cancer-predisposing syndrome. Also called: Tumor predisposition; Hereditary neoplastic syndrome; Hereditary Cancer Syndrome; Neoplastic Syndromes, Hereditary. Identifiers: Orphanet 140162, MedGen C0027672, MeSH D009386, MONDO:0015356.

Submission:

Ambry Genetics
Classification: Uncertain significance for Hereditary cancer-predisposing syndrome. Last evaluated: 2024-01-24. Review status: criteria provided, single submitter. Criteria: Ambry Variant Classification Scheme 2023. Collection method: clinical testing. Allele origin: germline.
Comment: The p.K577R variant (also known as c.1730A>G), located in coding exon 11 of the CTNNA1 gene, results from an A to G substitution at nucleotide position 1730. The lysine at codon 577 is replaced by arginine, an amino acid with highly similar properties. This amino acid position is conserved. In addition, this alteration is predicted to be tolerated by in silico analysis. Based on the available evidence, the clinical significance of this alteration remains unclear.

NM_001903.5(CTNNA1):c.1730A>G (p.Lys577Arg)

Gene: CTNNA1 (catenin alpha 1; plus strand). Cytogenetic location: 5q31.2.
Variant type: single nucleotide variant.
Coding change: c.1730A>G on transcript NM_001903.5 (MANE Select); coding-DNA position 1730, A replaced by G.
Protein change: p.Lys577Arg; replaces lysine 577 with arginine.
Molecular consequence: missense variant.
Genome position (GRCh38, 1-based): chr5:138,924,693, A>G. VCF-style: chr5-138924693-A-G. GRCh37 (hg19) VCF-style: chr5-138260382-A-G.
Other names: c.1730A>G, p.Lys577Arg (NM_001290307.3, NM_001323982.2, NM_001323983.1 and 2 more transcripts); c.1421A>G, p.Lys474Arg (NM_001290309.3); c.1361A>G, p.Lys454Arg (NM_001290310.3); c.620A>G, p.Lys207Arg (NM_001290312.1, NM_001323987.1, NM_001323988.1 and 17 more transcripts); c.1637A>G, p.Lys546Arg (NM_001323986.2); c.281A>G, p.Lys94Arg (NM_001324006.1, NM_001324007.1, NM_001324008.1 and 2 more transcripts); c.527A>G, p.Lys176Arg (NM_001324011.1); c.377A>G, p.Lys126Arg (NM_001324012.1, NM_001324013.1); short protein forms K126R, K176R, K207R, K454R, K474R, K546R, K577R, K94R.
Identifiers: ClinVar variation 3221888 (VCV003221888.1), dbSNP rs1763629051, ClinGen allele CA361132070.